The following is an entry in ClinVar:

NM_003924.4(PHOX2B):c.676G>T (p.Ala226Ser)

Gene: PHOX2B (paired like homeobox 2B; minus strand). Cytogenetic location: 4p13.
Variant type: single nucleotide variant.
Coding change: c.676G>T on transcript NM_003924.4 (MANE Select); coding-DNA position 676, G replaced by T.
Protein change: p.Ala226Ser; replaces alanine 226 with serine.
Molecular consequence: missense variant.
Genome position (GRCh38, 1-based): chr4:41,746,076, C>A on the plus strand (G>T on the coding strand, the complement: PHOX2B is on the minus strand). VCF-style: chr4-41746076-C-A. GRCh37 (hg19) VCF-style: chr4-41748093-C-A.
Other names: short protein forms A226S.
Identifiers: ClinVar variation 5026514 (VCV005026514.1).

ClinVar aggregate classification (germline): Uncertain significance (1 of 4 stars; one submission).

Conditions:
Hereditary cancer-predisposing syndrome. Also called: Neoplastic Syndromes, Hereditary; Tumor predisposition; Hereditary neoplastic syndrome; Hereditary Cancer Syndrome. Identifiers: Orphanet 140162, MedGen C0027672, MeSH D009386, MONDO:0015356.

Submission:

Ambry Genetics
Classification: Uncertain significance for Hereditary cancer-predisposing syndrome. Last evaluated: 2026-07-07. Review status: criteria provided, single submitter. Criteria: Ambry Variant Classification Scheme 2023. Collection method: clinical testing. Allele origin: germline.
Comment: The p.A226S variant (also known as c.676G>T), located in coding exon 3 of the PHOX2B gene, results from a G to T substitution at nucleotide position 676. The alanine at codon 226 is replaced by serine, an amino acid with similar properties. This amino acid position is conserved. In addition, this alteration is predicted to be tolerated by in silico analysis. Based on the available evidence, the clinical significance of this variant remains unclear.